The following is an entry in ClinVar:

ClinVar aggregate classification (germline): Uncertain significance (1 of 4 stars; one submission).

Conditions:
Intellectual developmental disorder, autosomal recessive 37. Also called: Intellectual disability-hypotonia-spasticity-sleep disorder syndrome. Identifiers: Orphanet 356996, MedGen C3809672, MONDO:0014210, OMIM 615493.

Allele frequency attached by ClinVar (database versions not stated): gnomAD exomes below 0.00001; ExAC 0.00001; gnomAD 0.00001; 1000 Genomes Project 30x 0.00016; 1000 Genomes Project 0.00020.
gnomAD v4.1: 4 of 1,613,192 alleles (0.00025%); highest among the groups gnomAD compares: South Asian, 0.0011%; no homozygotes.

Submission:

Neuberg Centre For Genomic Medicine, NCGM
Classification: Uncertain significance for Intellectual developmental disorder, autosomal recessive 37. Review status: criteria provided, single submitter. Criteria: ACMG Guidelines, 2015. Collection method: clinical testing. Allele origin: germline. Inheritance: Autosomal recessive inheritance. Affected: yes.
Comment: The missense c.2611G>Ap.Glu871Lys variant in ANK3 gene has not been reported previously as a pathogenic variant nor as a benign variant, to our knowledge. The p.Ser118Leu variant has been reported with allele frequency of 0.0004% in gnomAD Exomes and is novel not in any individuals in 1000 Genomes database. This variant has not been reported to the ClinVar database. The amino acid change p.Glu871Lys in ANK3 is predicted as conserved by GERP++ and PhyloP across 100 vertebrates. The amino acid Glu at position 871 is changed to a Lys changing protein sequence and it might alter its composition and physico-chemical properties. For these reasons, this variant has been classified as Variant of Uncertain Significance VUS.

NM_020987.5(ANK3):c.2611G>A (p.Glu871Lys)

Gene: ANK3 (ankyrin 3; minus strand). Cytogenetic location: 10q21.2.
Variant type: single nucleotide variant.
Coding change: c.2611G>A on transcript NM_020987.5 (MANE Select); coding-DNA position 2611, G replaced by A.
Protein change: p.Glu871Lys; replaces glutamic acid 871 with lysine.
Molecular consequence: missense variant.
Genome position (GRCh38, 1-based): chr10:60,166,594, C>T on the plus strand (G>A on the coding strand, the complement: ANK3 is on the minus strand). VCF-style: chr10-60166594-C-T. GRCh37 (hg19) VCF-style: chr10-61926352-C-T.
Other names: c.2593G>A, p.Glu865Lys (NM_001204403.2); c.2560G>A, p.Glu854Lys (NM_001204404.2); c.2611G>A, p.Glu871Lys (NM_001320874.2); short protein forms E854K, E865K, E871K.
Identifiers: ClinVar variation 3234929 (VCV003234929.1), dbSNP rs531162695, ClinGen allele CA5512757.